The following is an entry in ClinVar:

NM_020632.3(ATP6V0A4):c.345G>A (p.Gln115=)

Gene: ATP6V0A4 (ATPase H+ transporting V0 subunit a4; minus strand). Cytogenetic location: 7q34.
Variant type: single nucleotide variant.
Coding change: c.345G>A on transcript NM_020632.3 (MANE Select); coding-DNA position 345, G replaced by A.
Protein change: p.Gln115=; no amino-acid change (glutamine 115 retained).
Molecular consequence: synonymous variant.
Genome position (GRCh38, 1-based): chr7:138,762,972, C>T on the plus strand (G>A on the coding strand, the complement: ATP6V0A4 is on the minus strand). VCF-style: chr7-138762972-C-T. GRCh37 (hg19) VCF-style: chr7-138447717-C-T.
Other names: c.345G>A, p.Gln115= (NM_130840.3, NM_130841.3); c.345G>A (NM_020632.2).
Identifiers: ClinVar variation 2894702 (VCV002894702.4), dbSNP rs781150700, ClinGen allele CA4505152.
Genomic context (GRCh38, chr7:138,762,972, plus strand): 5'-TTGGGTTTTCTTCAGGAGGTATTTCAGTTCTGTCAGTTCTAGGAAGCTTTGTTTCAAGGC[C>T]TGCTGGTTCTGGTTGGCTTCCTGTAACTCTCCTTCCAGTTTTTCTAGAACAGTCTATGCA-3'
Protein context (NP_065683.2, residues 105-125): GELQEANQNQ[Gln115=]ALKQSFLELT

ClinVar aggregate classification (germline): Likely benign. Review status: criteria provided, multiple submitters, no conflicts (2 of 4 stars). 2 submissions from 2 submitters: Likely benign (2). Last evaluated 2025-07-29.

Conditions:
ATP6V0A4-related disorder. Also called: ATP6V0A4-related condition.

Allele frequency attached by ClinVar (database versions not stated): gnomAD exomes 0.00004; TOPMed 0.00005; ExAC 0.00007.
gnomAD v4.1: 23 of 1,614,130 alleles (0.0014%); highest among the groups gnomAD compares: Admixed American, 0.037%; no homozygotes.

Submissions (2):

PreventionGenetics, part of Exact Sciences
Classification: Likely benign for ATP6V0A4-related condition. Last evaluated: 2025-07-29. Review status: criteria provided, single submitter. Criteria: ACMG Guidelines, 2015. Collection method: clinical testing. Allele origin: germline.
Comment: This variant is classified as likely benign based on ACMG/AMP sequence variant interpretation guidelines (Richards et al. 2015 PMID: 25741868, with internal and published modifications).

Labcorp Genetics (formerly Invitae), Labcorp
Classification: Likely benign. Last evaluated: 2025-04-11. Review status: criteria provided, single submitter. Criteria: Invitae Variant Classification Sherloc (09022015). Collection method: clinical testing. Allele origin: germline.